The following is an entry in ClinVar:

ClinVar aggregate classification (germline): Uncertain significance. Review status: criteria provided, multiple submitters, no conflicts (2 of 4 stars). 2 submissions from 2 submitters: Uncertain significance (2). Last evaluated 2025-08-29.

Conditions:
Paroxysmal nonkinesigenic dyskinesia. Also called: Paroxysmal non-kinesigenic dyskinesia. Identifiers: Orphanet 98810, MedGen C1869117, MONDO:0700088.
Inborn genetic diseases. Identifiers: MedGen C0950123, MeSH D030342.

Allele frequency attached by ClinVar (database versions not stated): gnomAD 0.00001; gnomAD exomes 0.00003 and 0.00004; TOPMed 0.00003; ExAC 0.00004.
gnomAD v4.1: 63 of 1,597,406 alleles (0.0039%); highest among the groups gnomAD compares: Non-Finnish European, 0.005%; no homozygotes.

Submissions (2):

Ambry Genetics
Classification: Uncertain significance for Inborn genetic diseases. Last evaluated: 2025-08-29. Review status: criteria provided, single submitter. Criteria: Ambry Variant Classification Scheme 2023. Collection method: clinical testing. Allele origin: germline.

Labcorp Genetics (formerly Invitae), Labcorp
Classification: Uncertain significance for Paroxysmal nonkinesigenic dyskinesia. Last evaluated: 2024-01-31. Review status: criteria provided, single submitter. Criteria: Invitae Variant Classification Sherloc (09022015). Collection method: clinical testing. Allele origin: germline.
Comment: This sequence change replaces arginine, which is basic and polar, with tryptophan, which is neutral and slightly polar, at codon 192 of the PNKD protein (p.Arg192Trp). The frequency data for this variant in the population databases is considered unreliable, as metrics indicate poor data quality at this position in the gnomAD database. This variant has not been reported in the literature in individuals affected with PNKD-related conditions. ClinVar contains an entry for this variant (Variation ID: 940589). Advanced modeling of protein sequence and biophysical properties (such as structural, functional, and spatial information, amino acid conservation, physicochemical variation, residue mobility, and thermodynamic stability) performed at Invitae indicates that this missense variant is not expected to disrupt PNKD protein function with a negative predictive value of 80%. In summary, the available evidence is currently insufficient to determine the role of this variant in disease. Therefore, it has been classified as a Variant of Uncertain Significance.

NM_015488.5(PNKD):c.574C>T (p.Arg192Trp)

Genes: CATIP-AS2 (CATIP antisense RNA 2; minus strand), PNKD (PNKD metallo-beta-lactamase domain containing; plus strand). Cytogenetic location: 2q35.
Variant type: single nucleotide variant.
Coding change: c.574C>T on transcript NM_015488.5 (MANE Select); coding-DNA position 574, C replaced by T.
Protein change: p.Arg192Trp; replaces arginine 192 with tryptophan.
Molecular consequence: missense variant.
Genome position (GRCh38, 1-based): chr2:218,341,583, C>T. VCF-style: chr2-218341583-C-T. GRCh37 (hg19) VCF-style: chr2-219206306-C-T.
Other names: c.502C>T, p.Arg168Trp (NM_022572.5); short protein forms R168W, R192W.
Identifiers: ClinVar variation 940589 (VCV000940589.10), dbSNP rs758791360, ClinGen allele CA2104013.